The following is an entry in ClinVar:

NM_198253.3(TERT):c.2107C>T (p.Pro703Ser)

Gene: TERT (telomerase reverse transcriptase; minus strand). Cytogenetic location: 5p15.33.
Variant type: single nucleotide variant.
Coding change: c.2107C>T on transcript NM_198253.3 (MANE Select); coding-DNA position 2107, C replaced by T.
Protein change: p.Pro703Ser; replaces proline 703 with serine.
Molecular consequence: missense variant. On other transcripts: non-coding transcript variant (2).
Genome position (GRCh38, 1-based): chr5:1,279,314, G>A on the plus strand (C>T on the coding strand, the complement: TERT is on the minus strand). VCF-style: chr5-1279314-G-A. GRCh37 (hg19) VCF-style: chr5-1279429-G-A.
Other names: c.2107C>T, p.Pro703Ser (NM_001193376.3); short protein forms P703S.
Identifiers: ClinVar variation 4561125 (VCV004561125.1).

ClinVar aggregate classification (germline): Uncertain significance (1 of 4 stars; one submission).

Conditions:
Dyskeratosis congenita. Identifiers: Orphanet 1775, MedGen C0265965, MONDO:0015780.

gnomAD v4.1: 1 of 1,584,636 alleles (0.000063%); highest among the groups gnomAD compares: Non-Finnish European, 0.000086%; no homozygotes.

Submission:

Ambry Genetics
Classification: Uncertain significance for Dyskeratosis congenita. Last evaluated: 2025-10-29. Review status: criteria provided, single submitter. Criteria: Ambry Variant Classification Scheme 2023. Collection method: clinical testing. Allele origin: germline.
Comment: The p.P703S variant (also known as c.2107C>T), located in coding exon 5 of the TERT gene, results from a C to T substitution at nucleotide position 2107. The proline at codon 703 is replaced by serine, an amino acid with similar properties. This amino acid position is conserved. In addition, this alteration is predicted to be tolerated by in silico analysis. Based on the available evidence, the clinical significance of this variant remains unclear.